The following is an entry in ClinVar:

ClinVar aggregate classification (germline): Pathogenic (1 of 4 stars; one submission).

Conditions:
Inborn genetic diseases. Identifiers: MedGen C0950123, MeSH D030342.

Submission:

Ambry Genetics
Classification: Pathogenic for Inborn genetic diseases. Last evaluated: 2024-03-18. Review status: criteria provided, single submitter. Criteria: Ambry Variant Classification Scheme 2023. Collection method: clinical testing. Allele origin: germline.
Comment: The c.1061_1065delAAAAA (p.Q354Rfs*21) alteration, located in exon 8 (coding exon 6) of the ZNF711 gene, consists of a deletion of 5 nucleotides from position 1061 to 1065, causing a translational frameshift with a predicted alternate stop codon after 21 amino acids. This alteration occurs at the 3' terminus of the ZNF711 gene, is not expected to trigger nonsense-mediated mRNA decay, and impacts the last 46% of the protein. However, premature stop codons are typically deleterious in nature, the impacted region is critical for protein function, and a significant portion of the protein is affected (Ambry internal data). This variant was not reported in population-based cohorts in the Genome Aggregation Database (gnomAD). Based on the available evidence, this alteration is classified as pathogenic.

NM_001330574.2(ZNF711):c.1199_1203del (p.Gln400fs)

Gene: ZNF711 (zinc finger protein 711; plus strand). Cytogenetic location: Xq21.1.
Variant type: Deletion.
Coding change: c.1199_1203del on transcript NM_001330574.2 (MANE Select); coding-DNA positions 1199 to 1203, 5 bases deleted (AAAAA; older notation c.1199_1203delAAAAA).
Protein change: p.Gln400fs; shifts the reading frame from glutamine 400.
Molecular consequence: frameshift variant.
Genome position (GRCh38, 1-based): chrX:85,270,099-85,270,103, AAAAA deleted. VCF-style (leftmost placement, unchanged base first): chrX-85270098-CAAAAA-C. GRCh37 (hg19) VCF-style: chrX-84525104-CAAAAA-C.
Other names: c.1199_1203del, p.Gln400fs (NM_001375431.1, NM_001375432.1, NM_001375433.1); c.1061_1065del, p.Gln354fs (NM_001375434.1, NM_001375435.1, NM_001375436.1 and 2 more transcripts); short protein forms Q400fs, Q354fs.
Identifiers: ClinVar variation 3259325 (VCV003259325.1).